The following is an entry in ClinVar:

NM_001372.4(DNAH9):c.11573G>A (p.Arg3858Gln)

Gene: DNAH9 (dynein axonemal heavy chain 9; plus strand). Cytogenetic location: 17p12.
Variant type: single nucleotide variant.
Coding change: c.11573G>A on transcript NM_001372.4 (MANE Select); coding-DNA position 11573, G replaced by A.
Protein change: p.Arg3858Gln; replaces arginine 3858 with glutamine.
Molecular consequence: missense variant.
Genome position (GRCh38, 1-based): chr17:11,902,885, G>A. VCF-style: chr17-11902885-G-A. GRCh37 (hg19) VCF-style: chr17-11806202-G-A.
Other names: c.509G>A, p.Arg170Gln (NM_004662.2); short protein forms R170Q, R3858Q.
Identifiers: ClinVar variation 4776779 (VCV004776779.1).

ClinVar aggregate classification (germline): Uncertain significance (1 of 4 stars; one submission).

gnomAD v4.1: 30 of 1,613,558 alleles (0.0019%); highest among the groups gnomAD compares: African/African-American, 0.0027%; no homozygotes.

Submission:

Labcorp Genetics (formerly Invitae), Labcorp
Classification: Uncertain significance. Last evaluated: 2026-01-21. Review status: criteria provided, single submitter. Criteria: Invitae Variant Classification Sherloc (09022015). Collection method: clinical testing. Allele origin: germline.
Comment: This sequence change replaces arginine, which is basic and polar, with glutamine, which is neutral and polar, at codon 3858 of the DNAH9 protein (p.Arg3858Gln). This variant is present in population databases (rs746352278, gnomAD 0.008%). This variant has not been reported in the literature in individuals affected with DNAH9-related conditions. Invitae Evidence Modeling of protein sequence and biophysical properties (such as structural, functional, and spatial information, amino acid conservation, physicochemical variation, residue mobility, and thermodynamic stability) indicates that this missense variant is expected to disrupt DNAH9 protein function with a positive predictive value of 80%. In summary, the available evidence is currently insufficient to determine the role of this variant in disease. Therefore, it has been classified as a Variant of Uncertain Significance.